The following is an entry in ClinVar:

ClinVar aggregate classification (germline): Conflicting classifications of pathogenicity. Review status: criteria provided, conflicting classifications (1 of 4 stars). 5 submissions from 5 submitters: Uncertain significance (1); Benign (1); Likely benign (2). 1 of the submissions does not count toward it. Last evaluated 2026-02-02.

Conditions:
DYNC2H1-related disorder. Also called: DYNC2H1-related condition; DYNC2H1-related disorders. Identifiers: MedGen CN378770.
Jeune thoracic dystrophy. Also called: Infantile thoracic dystrophy; Thoracic pelvic phalangeal dystrophy; Jeune's syndrome; Chondroectodermal dysplasia-like syndrome; Short-rib thoracic dysplasia; Jeune syndrome. Identifiers: Orphanet 474, MedGen C0265275, MONDO:0018770.
Asphyxiating thoracic dystrophy 3. Also called: SHORT-RIB THORACIC DYSPLASIA 3 WITH OR WITHOUT POLYDACTYLY; POLYDACTYLY WITH NEONATAL CHONDRODYSTROPHY, TYPE I; SHORT-RIB THORACIC DYSPLASIA 3/6 WITH POLYDACTYLY, DIGENIC; Short rib polydactyly syndrome 2B; Saldino-Noonan Syndrome. Identifiers: Orphanet 474, Orphanet 93269, Orphanet 93270, Orphanet 93271, MedGen C0036069, MONDO:0013127, OMIM 613091.

Allele frequency attached by ClinVar (database versions not stated): 1000 Genomes Project 0.00140; 1000 Genomes Project 30x 0.00141; gnomAD exomes 0.00013 and 0.00026; ExAC 0.00032; ESP Exome Variant Server 0.00042; gnomAD 0.00077 and 0.00081; TOPMed 0.00095.

Submissions (5):

Labcorp Genetics (formerly Invitae), Labcorp
Classification: Benign for Jeune thoracic dystrophy. Last evaluated: 2026-02-02. Review status: criteria provided, single submitter. Criteria: Invitae Variant Classification Sherloc (09022015). Collection method: clinical testing. Allele origin: germline.

Blueprint Genetics
Classification: Likely benign. Last evaluated: 2024-09-10. Review status: criteria provided, single submitter. Criteria: ACMG Guidelines, 2015. Collection method: clinical testing. Allele origin: germline.

ARUP Laboratories, Molecular Genetics and Genomics, ARUP Laboratories
Classification: Likely benign for Asphyxiating thoracic dystrophy 3. Last evaluated: 2021-11-09. Review status: criteria provided, single submitter. Criteria: ARUP Molecular Germline Variant Investigation Process 2021. Collection method: clinical testing. Allele origin: germline.

Illumina Laboratory Services, Illumina
Classification: Uncertain significance for Asphyxiating thoracic dystrophy 3. Last evaluated: 2018-01-13. Review status: criteria provided, single submitter. Criteria: ICSL Variant Classification Criteria 13 December 2019. Collection method: clinical testing. Allele origin: germline.

PreventionGenetics, part of Exact Sciences
Classification: Likely benign for DYNC2H1-related condition. Last evaluated: 2019-11-21. Review status: no assertion criteria provided. Collection method: clinical testing. Allele origin: germline. Not counted in ClinVar's aggregate classification.
Comment: This variant is classified as likely benign based on ACMG/AMP sequence variant interpretation guidelines (Richards et al. 2015 PMID: 25741868, with internal and published modifications).

NM_001377.3(DYNC2H1):c.10845G>A (p.Pro3615=)

Gene: DYNC2H1 (dynein cytoplasmic 2 heavy chain 1; plus strand). Cytogenetic location: 11q22.3.
Variant type: single nucleotide variant.
Coding change: c.10845G>A on transcript NM_001377.3 (MANE Select); coding-DNA position 10845, G replaced by A.
Protein change: p.Pro3615=; no amino-acid change (proline 3615 retained).
Molecular consequence: synonymous variant.
Genome position (GRCh38, 1-based): chr11:103,283,040, G>A. VCF-style: chr11-103283040-G-A. GRCh37 (hg19) VCF-style: chr11-103153769-G-A.
Other names: c.10866G>A, p.Pro3622= (NM_001080463.2).
Identifiers: ClinVar variation 302097 (VCV000302097.24), dbSNP rs187451323, ClinGen allele CA6255083.
Genomic context (GRCh38, chr11:103,283,040, plus strand): 5'-CTAAGGAAAATAATTGCTTTTATTAAAGGACTCTCAACAAAAAATACGTGATCAGCTTCC[G>A]TCTTGGATAGATCAGGAACGAAGCTGGGCCGTGGCAACATTAAAGGTATTCCTTTTCTAC-3'
Protein context (NP_001368.2, residues 3605-3625): DSQQKIRDQL[Pro3615=]SWIDQERSWA